The following is an entry in ClinVar:

ClinVar aggregate classification (germline): Uncertain significance (1 of 4 stars; one submission).

Conditions:
Cardiovascular phenotype. Identifiers: MedGen CN230736.

gnomAD v4.1: 4 of 1,614,020 alleles (0.00025%); highest among the groups gnomAD compares: Non-Finnish European, 0.00034%; no homozygotes.

Submission:

Molecular Diagnostic Laboratory for Inherited Cardiovascular Disease, Montreal Heart Institute
Classification: Uncertain significance for Cardiovascular phenotype. Last evaluated: 2025-04-09. Review status: criteria provided, single submitter. Criteria: ACMG Guidelines, 2015. Collection method: clinical testing. Allele origin: germline. Affected: yes.
Comment: PM2

NM_015627.3(LDLRAP1):c.203C>T (p.Ala68Val)

Gene: LDLRAP1 (low density lipoprotein receptor adaptor protein 1; plus strand). Cytogenetic location: 1p36.11.
Variant type: single nucleotide variant.
Coding change: c.203C>T on transcript NM_015627.3 (MANE Select); coding-DNA position 203, C replaced by T.
Protein change: p.Ala68Val; replaces alanine 68 with valine.
Molecular consequence: missense variant.
Genome position (GRCh38, 1-based): chr1:25,554,036, C>T. VCF-style: chr1-25554036-C-T. GRCh37 (hg19) VCF-style: chr1-25880527-C-T.
Other names: short protein forms A68V.
Identifiers: ClinVar variation 3895423 (VCV003895423.1), dbSNP rs754428155.